The following is an entry in ClinVar:

NM_001114753.3(ENG):c.1076T>C (p.Ile359Thr)

Gene: ENG (endoglin; minus strand). Cytogenetic location: 9q34.11.
Variant type: single nucleotide variant.
Coding change: c.1076T>C on transcript NM_001114753.3 (MANE Select); coding-DNA position 1076, T replaced by C.
Protein change: p.Ile359Thr; replaces isoleucine 359 with threonine.
Molecular consequence: missense variant.
Genome position (GRCh38, 1-based): chr9:127,824,362, A>G on the plus strand (T>C on the coding strand, the complement: ENG is on the minus strand). VCF-style: chr9-127824362-A-G. GRCh37 (hg19) VCF-style: chr9-130586641-A-G.
Other names: c.1076T>C, p.Ile359Thr (NM_000118.4, NM_001406715.1); c.530T>C, p.Ile177Thr (NM_001278138.2); short protein forms I177T, I359T.
Identifiers: ClinVar variation 2683961 (VCV002683961.4), dbSNP rs2131885879, ClinGen allele CA374980774.

ClinVar aggregate classification (germline): Uncertain significance. Review status: criteria provided, multiple submitters, no conflicts (2 of 4 stars). 2 submissions from 2 submitters: Uncertain significance (2). Last evaluated 2023-10-12.

Conditions:
Telangiectasia, hereditary hemorrhagic, type 1 (HHT1). Also called: Osler Weber Rendu syndrome type 1; ENG-Related Hereditary Hemorrhagic Telangiectasia. Identifiers: Orphanet 774, MedGen C4551861, MONDO:0008535, OMIM 187300. Disease mechanism: loss of function.
Hereditary hemorrhagic telangiectasia (HHT). Also called: ORW DISEASE; Osler Weber Rendu syndrome; OSLER-RENDU-WEBER DISEASE; Osler hemorrhagic telangiectasia syndrome. Identifiers: Orphanet 774, MedGen C0039445, MONDO:0019180. Disease mechanism: loss of function.

Submissions (2):

Labcorp Genetics (formerly Invitae), Labcorp
Classification: Uncertain significance for Hereditary hemorrhagic telangiectasia. Last evaluated: 2023-10-12. Review status: criteria provided, single submitter. Criteria: Invitae Variant Classification Sherloc (09022015). Collection method: clinical testing. Allele origin: germline.
Comment: This sequence change replaces isoleucine, which is neutral and non-polar, with threonine, which is neutral and polar, at codon 359 of the ENG protein (p.Ile359Thr). This variant is not present in population databases (gnomAD no frequency). This missense change has been observed in individual(s) with clinical features of hereditary hemorrhagic telangiectasia (Invitae). Advanced modeling of protein sequence and biophysical properties (such as structural, functional, and spatial information, amino acid conservation, physicochemical variation, residue mobility, and thermodynamic stability) performed at Invitae indicates that this missense variant is not expected to disrupt ENG protein function. This variant disrupts the p.Ile359 amino acid residue in ENG. Other variant(s) that disrupt this residue have been observed in individuals with ENG-related conditions (Invitae), which suggests that this may be a clinically significant amino acid residue. In summary, the available evidence is currently insufficient to determine the role of this variant in disease. Therefore, it has been classified as a Variant of Uncertain Significance.

MVZ Martinsried, Medicover Genetics
Classification: Uncertain significance for Telangiectasia, hereditary hemorrhagic, type 1. Last evaluated: 2023-10-12. Review status: criteria provided, single submitter. Criteria: ACGS Guidelines, 2020. Collection method: clinical testing. Allele origin: unknown. Affected: yes.